The following is an entry in ClinVar:

NM_001105247.2(ARMC5):c.2294C>T (p.Ala765Val)

Gene: ARMC5 (armadillo repeat containing 5; plus strand). Cytogenetic location: 16p11.2.
Variant type: single nucleotide variant.
Coding change: c.2294C>T on transcript NM_001105247.2 (MANE Select); coding-DNA position 2294, C replaced by T.
Protein change: p.Ala765Val; replaces alanine 765 with valine.
Molecular consequence: missense variant. On other transcripts: 3 prime UTR variant (1).
Genome position (GRCh38, 1-based): chr16:31,466,375, C>T. VCF-style: chr16-31466375-C-T. GRCh37 (hg19) VCF-style: chr16-31477696-C-T.
Other names: c.2579C>T, p.Ala860Val (NM_001288767.2); c.2390C>T, p.Ala797Val (NM_001301820.1); c.*1174C>T (NM_024742.2); short protein forms A765V, A797V, A860V.
Identifiers: ClinVar variation 1311199 (VCV001311199.2), dbSNP rs370500494, ClinGen allele CA8030008.
Genomic context (GRCh38, chr16:31,466,375, plus strand): 5'-TCCCAGCTCCCGACCTGCACTTCCTGCTGGACTCAGGCCTCCAGCTCCCTGCCCAGCGAG[C>T]GGCCTCAGCCACCGCCTCCCCTTTCTTCCGGGCCCTGCTGTCAGGCAGCTTTGCAGAAGC-3'
Protein context (NP_001098717.1, residues 755-775): DSGLQLPAQR[Ala765Val]ASATASPFFR

ClinVar aggregate classification (germline): Uncertain significance (1 of 4 stars; one submission).

Allele frequency attached by ClinVar (database versions not stated): gnomAD 0.00001; TOPMed 0.00001; ExAC 0.00002; gnomAD exomes 0.00002 and 0.00003; ESP Exome Variant Server 0.00008.
gnomAD v4.1: 25 of 1,612,654 alleles (0.0016%); highest among the groups gnomAD compares: African/African-American, 0.0027%; no homozygotes.

Submission:

GeneDx
Classification: Uncertain significance. Last evaluated: 2019-12-30. Review status: criteria provided, single submitter. Criteria: GeneDx Variant Classification Process June 2021. Collection method: clinical testing. Allele origin: germline. Affected: yes.
Comment: Has not been previously published as pathogenic or benign to our knowledge; In silico analysis, which includes protein predictors and evolutionary conservation, supports that this variant does not alter protein structure/function